The following is an entry in ClinVar:

NM_206933.4(USH2A):c.7594A>T (p.Lys2532Ter)

Gene: USH2A (usherin; minus strand). Cytogenetic location: 1q41.
Variant type: single nucleotide variant.
Coding change: c.7594A>T on transcript NM_206933.4 (MANE Select); coding-DNA position 7594, A replaced by T.
Protein change: p.Lys2532Ter; replaces lysine 2532 with a stop codon.
Molecular consequence: nonsense.
Genome position (GRCh38, 1-based): chr1:215,900,075, T>A on the plus strand (A>T on the coding strand, the complement: USH2A is on the minus strand). VCF-style: chr1-215900075-T-A. GRCh37 (hg19) VCF-style: chr1-216073417-T-A.
Other names: short protein forms K2532*.
Identifiers: ClinVar variation 1458464 (VCV001458464.6), dbSNP rs2102469461, ClinGen allele CA344846877.

ClinVar aggregate classification (germline): Pathogenic (1 of 4 stars; one submission).

Allele frequency attached by ClinVar (database versions not stated): gnomAD exomes below 0.00001.
gnomAD v4.1: 1 of 1,613,706 alleles (0.000062%); highest among the groups gnomAD compares: Non-Finnish European, 0.000085%; no homozygotes.

Submission:

Labcorp Genetics (formerly Invitae), Labcorp
Classification: Pathogenic. Last evaluated: 2021-02-22. Review status: criteria provided, single submitter. Criteria: Invitae Variant Classification Sherloc (09022015). Collection method: clinical testing. Allele origin: germline.
Comment: For these reasons, this variant has been classified as Pathogenic. This variant has not been reported in the literature in individuals with USH2A-related conditions. This variant is not present in population databases (ExAC no frequency). This sequence change creates a premature translational stop signal (p.Lys2532*) in the USH2A gene. It is expected to result in an absent or disrupted protein product. Loss-of-function variants in USH2A are known to be pathogenic (PMID: 10729113, 10909849, 20507924, 25649381).

Literature cited by the submitters: PubMed 10729113; PubMed 10909849; PubMed 20507924; PubMed 25649381.